The following is an entry in ClinVar:

ClinVar aggregate classification (germline): Pathogenic. Review status: reviewed by expert panel (3 of 4 stars). 2 submissions from 2 submitters: Pathogenic (1). 1 of the submissions does not count toward it. Last evaluated 2016-10-18.

Conditions:
Breast-ovarian cancer, familial, susceptibility to, 1 (BROVCA1). Also called: BRCA1 Hereditary Breast and Ovarian Cancer; OVARIAN CANCER, SUSCEPTIBILITY TO. Identifiers: Orphanet 145, MedGen C2676676, MONDO:0011450, OMIM 604370. Disease mechanism: loss of function.

Submissions (2):

Evidence-based Network for the Interpretation of Germline Mutant Alleles (ENIGMA)
Classification: Pathogenic for Breast-ovarian cancer, familial, susceptibility to, 1. Last evaluated: 2016-10-18. Review status: reviewed by expert panel. Criteria: ENIGMA BRCA1/2 Classification Criteria (2015). Collection method: curation. Allele origin: germline.
Comment: Variant allele predicted to encode a truncated non-functional protein.

Consortium of Investigators of Modifiers of BRCA1/2 (CIMBA), c/o University of Cambridge
Classification: Pathogenic for Breast-ovarian cancer, familial, susceptibility to, 1. Last evaluated: 2015-10-02. Review status: criteria provided, single submitter. Criteria: CIMBA Mutation Classification guidelines May 2016. Collection method: clinical testing. Allele origin: germline. Not counted in ClinVar's aggregate classification.

NM_007294.4(BRCA1):c.5230_5237del (p.Arg1744fs)

Gene: BRCA1 (BRCA1 DNA repair associated; minus strand). Cytogenetic location: 17q21.31.
Variant type: Deletion.
Coding change: c.5230_5237del on transcript NM_007294.4 (MANE Select); coding-DNA positions 5230 to 5237, 8 bases deleted (AGAAACCA; older notation c.5230_5237delAGAAACCA).
Protein change: p.Arg1744fs; shifts the reading frame from arginine 1744.
Molecular consequence: frameshift variant. On other transcripts: non-coding transcript variant (1).
Genome position (GRCh38, 1-based): chr17:43,057,092-43,057,099, TGGTTTCT deleted on the plus strand (AGAAACCA on the coding strand, the reverse complement: BRCA1 is on the minus strand); deleting any 8 consecutive bases within chr17:43,057,092-43,057,100 gives the same sequence; the c. name uses the placement nearest the transcript's 3' end. VCF-style (leftmost placement, unchanged base first): chr17-43057091-GTGGTTTCT-G. GRCh37 (hg19) VCF-style: chr17-41209108-GTGGTTTCT-G.
Other names: 5349delAGAAACCA; c.5019_5026delAAGAAACC, p.Arg1674Profs (NM_001407885.1, NM_001407886.1, NM_001407887.1 and 5 more transcripts); c.5016_5023delAAGAAACC, p.Arg1673Profs (NM_001407894.1, NM_001407895.1, NM_001407896.1 and 12 more transcripts); c.5013_5020delAAGAAACC, p.Arg1672Profs (NM_001407915.1, NM_001407916.1, NM_001407917.1 and 1 more transcripts); c.5106_5113delAAGAAACC, p.Arg1703Profs (NM_001407919.1, NM_001407937.1, NM_001407938.1 and 6 more transcripts); c.4965_4972delAAGAAACC, p.Arg1656Profs (NM_001407920.1, NM_001407921.1, NM_001407922.1 and 4 more transcripts); c.4962_4969delAAGAAACC, p.Arg1655Profs (NM_001407927.1, NM_001407928.1, NM_001407929.1 and 4 more transcripts); c.4959_4966delAAGAAACC, p.Arg1654Profs (NM_001407934.1, NM_001407935.1, NM_001407936.1); and 76 more; short protein forms R1697fs, R1744fs, R1765fs, R640fs.
Identifiers: ClinVar variation 266537 (VCV000266537.7), dbSNP rs886040281, ClinGen allele CA10589607.